The following is an entry in ClinVar:

ClinVar aggregate classification (germline): Uncertain significance. Review status: criteria provided, multiple submitters, no conflicts (2 of 4 stars). 5 submissions from 5 submitters: Uncertain significance (4). 1 of the submissions does not count toward it. Last evaluated 2025-03-26.

Conditions:
Meckel syndrome, type 1 (MKS1). Also called: MECKEL-GRUBER SYNDROME, TYPE 1. Identifiers: Orphanet 564, MedGen C3714506, MONDO:0009571, OMIM 249000.
Meckel-Gruber syndrome. Also called: DYSENCEPHALIA SPLANCHNOCYSTICA; GRUBER SYNDROME; Dysencephalia splachnocystica. Identifiers: Orphanet 564, MedGen C0265215, MONDO:0018921.
Joubert syndrome. Also called: Familial aplasia of the vermis; JOUBERT-BOLTSHAUSER SYNDROME. Identifiers: Orphanet 475, MedGen C5979921, MONDO:0018772.
MKS1-related disorder. Also called: MKS1-related disorders; MKS1-related condition. Identifiers: MedGen CN239382.
Inborn genetic diseases. Identifiers: MedGen C0950123, MeSH D030342.

Allele frequency attached by ClinVar (database versions not stated): ESP Exome Variant Server 0.00009; ExAC below 0.00001; gnomAD exomes 0.00002; TOPMed 0.00002.
gnomAD v4.1: 29 of 1,551,178 alleles (0.0019%); highest among the groups gnomAD compares: Non-Finnish European, 0.0025%; no homozygotes.

Submissions (5):

PreventionGenetics, part of Exact Sciences
Classification: Uncertain significance for MKS1-related condition. Last evaluated: 2025-03-26. Review status: criteria provided, single submitter. Criteria: ACMG Guidelines, 2015. Collection method: clinical testing. Allele origin: germline.
Comment: The MKS1 c.32G>C variant is predicted to result in the amino acid substitution p.Gly11Ala. To our knowledge, this variant has not been reported in the literature or in a large population database (gnomAD), indicating this variant is rare. At this time, the clinical significance of this variant is uncertain due to the absence of conclusive functional and genetic evidence.

Ambry Genetics
Classification: Uncertain significance for Inborn genetic diseases. Last evaluated: 2022-08-17. Review status: criteria provided, single submitter. Criteria: Ambry Variant Classification Scheme 2023. Collection method: clinical testing. Allele origin: germline.

Labcorp Genetics (formerly Invitae), Labcorp
Classification: Uncertain significance for Joubert syndrome; Meckel-Gruber syndrome. Last evaluated: 2021-08-31. Review status: criteria provided, single submitter. Criteria: Invitae Variant Classification Sherloc (09022015). Collection method: clinical testing. Allele origin: germline.
Comment: This sequence change replaces glycine with alanine at codon 11 of the MKS1 protein (p.Gly11Ala). The glycine residue is moderately conserved and there is a small physicochemical difference between glycine and alanine. The frequency data for this variant in the population databases is considered unreliable, as metrics indicate poor data quality at this position in the ExAC database. This variant has not been reported in the literature in individuals affected with MKS1-related conditions. ClinVar contains an entry for this variant (Variation ID: 596728). Algorithms developed to predict the effect of missense changes on protein structure and function are either unavailable or do not agree on the potential impact of this missense change (SIFT: "Tolerated"; PolyPhen-2: "Possibly Damaging"; Align-GVGD: "Class C0"). In summary, the available evidence is currently insufficient to determine the role of this variant in disease. Therefore, it has been classified as a Variant of Uncertain Significance.

Eurofins Ntd Llc (ga)
Classification: Uncertain significance. Last evaluated: 2018-04-19. Review status: criteria provided, single submitter. Criteria: EGL ClinVar v180209 classification definitions. Collection method: clinical testing. Allele origin: germline. Observed: 1 variant allele, 1 heterozygote.

Natera, Inc.
Classification: Uncertain significance for Meckel syndrome type 1. Last evaluated: 2020-04-04. Review status: no assertion criteria provided. Collection method: clinical testing. Allele origin: germline. Not counted in ClinVar's aggregate classification.

NM_017777.4(MKS1):c.32G>C (p.Gly11Ala)

Genes: MKS1 (MKS transition zone complex subunit 1; minus strand), LOC130061271 (ATAC-STARR-seq lymphoblastoid active region 12461; plus strand). Cytogenetic location: 17q22.
Variant type: single nucleotide variant.
Coding change: c.32G>C on transcript NM_017777.4 (MANE Select); coding-DNA position 32, G replaced by C.
Protein change: p.Gly11Ala; replaces glycine 11 with alanine.
Molecular consequence: missense variant. On other transcripts: 5 prime UTR variant (1).
Genome position (GRCh38, 1-based): chr17:58,219,199, C>G on the plus strand (G>C on the coding strand, the complement: MKS1 is on the minus strand). VCF-style: chr17-58219199-C-G. GRCh37 (hg19) VCF-style: chr17-56296560-C-G.
Other names: c.32G>C (NM_017777.3); c.-480G>C (NM_001321268.2); c.32G>C, p.Gly11Ala (NM_001321269.2, NM_001330397.2); short protein forms G11A.
Identifiers: ClinVar variation 596728 (VCV000596728.13), dbSNP rs375223375, ClinGen allele CA8669664.
Genomic context (GRCh38, chr17:58,219,199, plus strand): 5'-CGGTGCGACTACCGGAGGCGCAAGTTGCGCACGGGGTCCCGGGAGCGATACACTGCCTCC[C>G]CGGTGTCAGTGCTCCAGACGGTCTCCGCCATGACAGCTGCGACGCGCCGCGACTGCGCCG-3'
Protein context (NP_060247.2, residues 1-21): MAETVWSTDT[Gly11Ala]EAVYRSRDPV